The following is an entry in ClinVar:

NM_014000.3(VCL):c.775del (p.Ala259fs)

Gene: VCL (vinculin; plus strand). Cytogenetic location: 10q22.2.
Variant type: Deletion.
Coding change: c.775del on transcript NM_014000.3 (MANE Select); coding-DNA position 775, one base deleted (G; older notation c.775delG).
Protein change: p.Ala259fs; shifts the reading frame from alanine 259.
Molecular consequence: frameshift variant.
Genome position (GRCh38, 1-based): chr10:74,074,895, G deleted; the last of 3 consecutive G bases (chr10:74,074,893-74,074,895); deleting any one gives the same sequence. VCF-style (leftmost placement, unchanged base first): chr10-74074892-TG-T. GRCh37 (hg19) VCF-style: chr10-75834650-TG-T.
Other names: c.775del, p.Ala259fs (NM_003373.4); short protein forms A259fs.
Identifiers: ClinVar variation 2129181 (VCV002129181.4), dbSNP rs2549214888, ClinGen allele CA2580081944.

ClinVar aggregate classification (germline): Uncertain significance (1 of 4 stars; one submission).

Conditions:
Dilated cardiomyopathy 1W (CMD1W). Identifiers: Orphanet 154, MedGen C1969639, MONDO:0012667, OMIM 611407.

Submission:

Labcorp Genetics (formerly Invitae), Labcorp
Classification: Uncertain significance for Dilated cardiomyopathy 1W. Last evaluated: 2022-07-13. Review status: criteria provided, single submitter. Criteria: Invitae Variant Classification Sherloc (09022015). Collection method: clinical testing. Allele origin: germline.
Comment: In summary, the available evidence is currently insufficient to determine the role of this variant in disease. Therefore, it has been classified as a Variant of Uncertain Significance. This variant has not been reported in the literature in individuals affected with VCL-related conditions. This variant is not present in population databases (gnomAD no frequency). This sequence change creates a premature translational stop signal (p.Ala259Profs*8) in the VCL gene. It is expected to result in an absent or disrupted protein product. However, the current clinical and genetic evidence is not sufficient to establish whether loss-of-function variants in VCL cause disease.